The following is an entry in ClinVar:

NM_001098671.2(RASGRP2):c.911T>C (p.Leu304Pro)

Gene: RASGRP2 (RAS guanyl releasing protein 2; minus strand). Cytogenetic location: 11q13.1.
Variant type: single nucleotide variant.
Coding change: c.911T>C on transcript NM_001098671.2 (MANE Select); coding-DNA position 911, T replaced by C.
Protein change: p.Leu304Pro; replaces leucine 304 with proline.
Molecular consequence: missense variant.
Genome position (GRCh38, 1-based): chr11:64,736,937, A>G on the plus strand (T>C on the coding strand, the complement: RASGRP2 is on the minus strand). VCF-style: chr11-64736937-A-G. GRCh37 (hg19) VCF-style: chr11-64504409-A-G.
Other names: c.911T>C, p.Leu304Pro (NM_001098670.2, NM_153819.2); c.476T>C, p.Leu159Pro (NM_001318398.2); short protein forms L159P, L304P.
Identifiers: ClinVar variation 3644408 (VCV003644408.2).

ClinVar aggregate classification (germline): Uncertain significance (1 of 4 stars; one submission).

Submission:

Labcorp Genetics (formerly Invitae), Labcorp
Classification: Uncertain significance. Last evaluated: 2024-04-25. Review status: criteria provided, single submitter. Criteria: Invitae Variant Classification Sherloc (09022015). Collection method: clinical testing. Allele origin: germline.
Comment: This sequence change replaces leucine, which is neutral and non-polar, with proline, which is neutral and non-polar, at codon 304 of the RASGRP2 protein (p.Leu304Pro). This variant is not present in population databases (gnomAD no frequency). This variant has not been reported in the literature in individuals affected with RASGRP2-related conditions. Advanced modeling of protein sequence and biophysical properties (such as structural, functional, and spatial information, amino acid conservation, physicochemical variation, residue mobility, and thermodynamic stability) performed at Invitae indicates that this missense variant is expected to disrupt RASGRP2 protein function with a positive predictive value of 80%. In summary, the available evidence is currently insufficient to determine the role of this variant in disease. Therefore, it has been classified as a Variant of Uncertain Significance.